The following is an entry in ClinVar:

ClinVar aggregate classification (germline): Likely pathogenic (1 of 4 stars; one submission).

Conditions:
Dilated cardiomyopathy 1G (CMD1G). Identifiers: Orphanet 154, MedGen C1858763, MONDO:0011400, OMIM 604145.
Autosomal recessive limb-girdle muscular dystrophy type 2J (LGMDR10). Also called: Limb-girdle muscular dystrophy, type 2J; MUSCULAR DYSTROPHY, LIMB-GIRDLE, AUTOSOMAL RECESSIVE 10. Identifiers: Orphanet 140922, MedGen C1837342, MONDO:0012127, OMIM 608807.

Submission:

Labcorp Genetics (formerly Invitae), Labcorp
Classification: Likely pathogenic for Dilated cardiomyopathy 1G; Autosomal recessive limb-girdle muscular dystrophy type 2J. Last evaluated: 2022-10-18. Review status: criteria provided, single submitter. Criteria: Invitae Variant Classification Sherloc (09022015). Collection method: clinical testing. Allele origin: germline.
Comment: This sequence change creates a premature translational stop signal (p.Ser19464Valfs*21) in the TTN gene. While this is not anticipated to result in nonsense mediated decay, it is expected to create a truncated TTN protein. This variant is not present in population databases (gnomAD no frequency). This variant has not been reported in the literature in individuals affected with TTN-related conditions. ClinVar contains an entry for this variant (Variation ID: 1480205). This variant is located in the A band of TTN (PMID: 25589632). Truncating variants in this region are significantly overrepresented in patients affected with dilated cardiomyopathy (PMID: 25589632). Truncating variants in this region have also been reported in individuals affected with autosomal recessive centronuclear myopathy (PMID: 23975875). In summary, the currently available evidence indicates that the variant is pathogenic, but additional data are needed to prove that conclusively. Therefore, this variant has been classified as Likely Pathogenic.

Literature cited by the submitters: PubMed 25589632; PubMed 23975875.

NM_001267550.2(TTN):c.58390del (p.Ser19464fs)

Genes: TTN-AS1 (TTN antisense RNA 1; plus strand), TTN (titin; minus strand). Cytogenetic location: 2q31.2.
Variant type: Deletion.
Coding change: c.58390del on transcript NM_001267550.2 (MANE Select); coding-DNA position 58390, one base deleted (A; older notation c.58390delA).
Protein change: p.Ser19464fs; shifts the reading frame from serine 19464.
Molecular consequence: frameshift variant.
Genome position (GRCh38, 1-based): chr2:178,594,003, T deleted on the plus strand (A on the coding strand, the reverse complement: TTN is on the minus strand). VCF-style (leftmost placement, unchanged base first): chr2-178594002-CT-C. GRCh37 (hg19) VCF-style: chr2-179458729-CT-C.
Other names: c.53467del, p.Ser17823fs (NM_001256850.1); c.31195del, p.Ser10399fs (NM_003319.4); c.50686del, p.Ser16896fs (NM_133378.4); c.31570del, p.Ser10524fs (NM_133432.3); c.31771del, p.Ser10591fs (NM_133437.4); short protein forms S16896fs, S17823fs, S10591fs, S10399fs, S10524fs, S19464fs.
Identifiers: ClinVar variation 1480205 (VCV001480205.6), dbSNP rs2154186900, ClinGen allele CA2573133786.
Genomic context (GRCh38, chr2:178,594,002, plus strand): 5'-TCCACTAAATAAGACTTACCAACAACATTAACTTGACAGAAACCTTTCCTAGAGCCTGTA[CT>C]GTTCTCCACAACCACACAGTATTTGCCGGAATCTGAACGTTTGGCCTTGATCTTCTCTAA-3'